The following is an entry in ClinVar:

ClinVar aggregate classification (germline): Uncertain significance. Review status: criteria provided, multiple submitters, no conflicts (2 of 4 stars). 2 submissions from 2 submitters: Uncertain significance (2). Last evaluated 2024-08-26.

Conditions:
Hereditary cancer-predisposing syndrome. Also called: Neoplastic Syndromes, Hereditary; Tumor predisposition; Hereditary neoplastic syndrome; Hereditary Cancer Syndrome. Identifiers: Orphanet 140162, MedGen C0027672, MeSH D009386, MONDO:0015356.
DICER1-related tumor predisposition. Also called: DICER1 syndrome; DICER1-related pleuropulmonary blastoma cancer predisposition syndrome. Identifiers: Orphanet 284343, MedGen C3839822, MONDO:0100216.

Allele frequency attached by ClinVar (database versions not stated): gnomAD exomes below 0.00001; gnomAD 0.00001; TOPMed 0.00001.
gnomAD v4.1: 3 of 1,607,858 alleles (0.00019%); highest among the groups gnomAD compares: African/African-American, 0.0027%; no homozygotes.

Submissions (2):

Ambry Genetics
Classification: Uncertain significance for Hereditary cancer-predisposing syndrome. Last evaluated: 2024-08-26. Review status: criteria provided, single submitter. Criteria: Ambry Variant Classification Scheme 2023. Collection method: clinical testing. Allele origin: germline.
Comment: The p.C251Y variant (also known as c.752G>A), located in coding exon 6 of the DICER1 gene, results from a G to A substitution at nucleotide position 752. The cysteine at codon 251 is replaced by tyrosine, an amino acid with highly dissimilar properties. This amino acid position is well conserved in available vertebrate species. In addition, this alteration is predicted to be tolerated by in silico analysis. Based on the available evidence, the clinical significance of this variant remains unclear.

Labcorp Genetics (formerly Invitae), Labcorp
Classification: Uncertain significance for DICER1-related tumor predisposition. Last evaluated: 2022-12-27. Review status: criteria provided, single submitter. Criteria: Invitae Variant Classification Sherloc (09022015). Collection method: clinical testing. Allele origin: germline.
Comment: In summary, the available evidence is currently insufficient to determine the role of this variant in disease. Therefore, it has been classified as a Variant of Uncertain Significance. Advanced modeling of protein sequence and biophysical properties (such as structural, functional, and spatial information, amino acid conservation, physicochemical variation, residue mobility, and thermodynamic stability) performed at Invitae indicates that this missense variant is not expected to disrupt DICER1 protein function. ClinVar contains an entry for this variant (Variation ID: 1759371). This variant has not been reported in the literature in individuals affected with DICER1-related conditions. This variant is present in population databases (no rsID available, gnomAD 0.007%). This sequence change replaces cysteine, which is neutral and slightly polar, with tyrosine, which is neutral and polar, at codon 251 of the DICER1 protein (p.Cys251Tyr).

NM_177438.3(DICER1):c.752G>A (p.Cys251Tyr)

Gene: DICER1 (dicer 1, ribonuclease III; minus strand). Cytogenetic location: 14q32.13.
Variant type: single nucleotide variant.
Coding change: c.752G>A on transcript NM_177438.3 (MANE Select); coding-DNA position 752, G replaced by A.
Protein change: p.Cys251Tyr; replaces cysteine 251 with tyrosine.
Molecular consequence: missense variant. On other transcripts: 5 prime UTR variant (1), non-coding transcript variant (6).
Genome position (GRCh38, 1-based): chr14:95,126,731, C>T on the plus strand (G>A on the coding strand, the complement: DICER1 is on the minus strand). VCF-style: chr14-95126731-C-T. GRCh37 (hg19) VCF-style: chr14-95593068-C-T.
Other names: c.752G>A, p.Cys251Tyr (NM_001195573.1, NM_001271282.3, NM_001291628.2 and 15 more transcripts); c.470G>A, p.Cys157Tyr (NM_001395686.1); c.347G>A, p.Cys116Tyr (NM_001395687.1, NM_001395688.1, NM_001395689.1 and 3 more transcripts); c.185G>A, p.Cys62Tyr (NM_001395691.1); c.-817G>A (NM_001395697.1); short protein forms C116Y, C157Y, C251Y, C62Y.
Identifiers: ClinVar variation 1759371 (VCV001759371.6), dbSNP rs1167822359, ClinGen allele CA390887911.